The following is an entry in ClinVar:

ClinVar aggregate classification (germline): Uncertain significance (1 of 4 stars; one submission).

Conditions:
Deficiency of hyaluronoglucosaminidase (MPS9). Also called: Mucopolysaccharidosis type 9; HYALURONIDASE DEFICIENCY; MPS IX. Identifiers: Orphanet 67041, MedGen C1291490, MONDO:0011093, OMIM 601492.

Allele frequency attached by ClinVar (database versions not stated): gnomAD exomes below 0.00001.
gnomAD v4.1: 4 of 1,614,044 alleles (0.00025%); highest among the groups gnomAD compares: Non-Finnish European, 0.00034%; no homozygotes.

Submission:

Labcorp Genetics (formerly Invitae), Labcorp
Classification: Uncertain significance for Deficiency of hyaluronoglucosaminidase. Last evaluated: 2022-06-13. Review status: criteria provided, single submitter. Criteria: Invitae Variant Classification Sherloc (09022015). Collection method: clinical testing. Allele origin: germline.
Comment: This sequence change replaces serine, which is neutral and polar, with cysteine, which is neutral and slightly polar, at codon 386 of the HYAL1 protein (p.Ser386Cys). This variant is present in population databases (no rsID available, gnomAD 0.002%). This variant has not been reported in the literature in individuals affected with HYAL1-related conditions. Algorithms developed to predict the effect of missense changes on protein structure and function are either unavailable or do not agree on the potential impact of this missense change (SIFT: "Deleterious"; PolyPhen-2: "Probably Damaging"; Align-GVGD: "Class C0"). In summary, the available evidence is currently insufficient to determine the role of this variant in disease. Therefore, it has been classified as a Variant of Uncertain Significance.

NM_033159.4(HYAL1):c.1156A>T (p.Ser386Cys)

Gene: HYAL1 (hyaluronidase 1; minus strand). Cytogenetic location: 3p21.31.
Variant type: single nucleotide variant.
Coding change: c.1156A>T on transcript NM_033159.4 (MANE Select); coding-DNA position 1156, A replaced by T.
Protein change: p.Ser386Cys; replaces serine 386 with cysteine.
Molecular consequence: missense variant. On other transcripts: non-coding transcript variant (1).
Genome position (GRCh38, 1-based): chr3:50,300,635, T>A on the plus strand (A>T on the coding strand, the complement: HYAL1 is on the minus strand). VCF-style: chr3-50300635-T-A. GRCh37 (hg19) VCF-style: chr3-50338066-T-A.
Other names: c.1156A>T, p.Ser386Cys (NM_153281.2); c.1066A>T, p.Ser356Cys (NM_153282.3); c.610A>T, p.Ser204Cys (NM_153283.3); c.379A>T, p.Ser127Cys (NM_153285.3); short protein forms S386C, S204C, S356C, S127C.
Identifiers: ClinVar variation 1360450 (VCV001360450.5), dbSNP rs781999703, ClinGen allele CA352888856.